The following is an entry in ClinVar:

NM_020247.5(COQ8A):c.535G>A (p.Glu179Lys)

Gene: COQ8A (coenzyme Q8A; plus strand). Cytogenetic location: 1q42.13.
Variant type: single nucleotide variant.
Coding change: c.535G>A on transcript NM_020247.5 (MANE Select); coding-DNA position 535, G replaced by A.
Protein change: p.Glu179Lys; replaces glutamic acid 179 with lysine.
Molecular consequence: missense variant.
Genome position (GRCh38, 1-based): chr1:226,965,357, G>A. VCF-style: chr1-226965357-G-A. GRCh37 (hg19) VCF-style: chr1-227153058-G-A.
Other names: short protein forms E179K.
Identifiers: ClinVar variation 1374374 (VCV001374374.5), dbSNP rs931020734, ClinGen allele CA38629052.

ClinVar aggregate classification (germline): Uncertain significance (1 of 4 stars; one submission).

Allele frequency attached by ClinVar (database versions not stated): gnomAD exomes below 0.00001; gnomAD 0.00001.
gnomAD v4.1: 2 of 1,612,748 alleles (0.00012%); highest among the groups gnomAD compares: African/African-American, 0.0027%; no homozygotes.

Submission:

Labcorp Genetics (formerly Invitae), Labcorp
Classification: Uncertain significance. Last evaluated: 2024-11-18. Review status: criteria provided, single submitter. Criteria: Invitae Variant Classification Sherloc (09022015). Collection method: clinical testing. Allele origin: germline.
Comment: This sequence change replaces glutamic acid, which is acidic and polar, with lysine, which is basic and polar, at codon 179 of the COQ8A protein (p.Glu179Lys). The frequency data for this variant in the population databases is considered unreliable, as metrics indicate poor data quality at this position in the gnomAD database. This variant has not been reported in the literature in individuals affected with COQ8A-related conditions. ClinVar contains an entry for this variant (Variation ID: 1374374). Invitae Evidence Modeling of protein sequence and biophysical properties (such as structural, functional, and spatial information, amino acid conservation, physicochemical variation, residue mobility, and thermodynamic stability) has been performed for this missense variant. However, the output from this modeling did not meet the statistical confidence thresholds required to predict the impact of this variant on COQ8A protein function. In summary, the available evidence is currently insufficient to determine the role of this variant in disease. Therefore, it has been classified as a Variant of Uncertain Significance.